The following is an entry in ClinVar:

NM_000038.6(APC):c.1743G>T (p.Lys581Asn)

Gene: APC (APC regulator of Wnt signaling pathway; plus strand). Cytogenetic location: 5q22.2.
Variant type: single nucleotide variant.
Coding change: c.1743G>T on transcript NM_000038.6 (MANE Select); coding-DNA position 1743, G replaced by T.
Protein change: p.Lys581Asn; replaces lysine 581 with asparagine.
Molecular consequence: missense variant.
Genome position (GRCh38, 1-based): chr5:112,828,972, G>T. VCF-style: chr5-112828972-G-T. GRCh37 (hg19) VCF-style: chr5-112164669-G-T.
Other names: c.1743G>T, p.Lys581Asn (NM_001127510.3, NM_001354895.2, NM_001407450.1); c.1689G>T, p.Lys563Asn (NM_001127511.3); c.1797G>T, p.Lys599Asn (NM_001354896.2, NM_001407447.1, NM_001407448.1 and 1 more transcripts); c.1773G>T, p.Lys591Asn (NM_001354897.2); c.1668G>T, p.Lys556Asn (NM_001354898.2); c.1659G>T, p.Lys553Asn (NM_001354899.2); c.1620G>T, p.Lys540Asn (NM_001354900.2); c.1566G>T, p.Lys522Asn (NM_001354901.2, NM_001407453.1); and 11 more; short protein forms K197N, K455N, K480N, K490N, K498N, K563N, K298N, K452N.
Identifiers: ClinVar variation 1779244 (VCV001779244.3), dbSNP rs1114167592, ClinGen allele CA16025125.

ClinVar aggregate classification (germline): Likely pathogenic (1 of 4 stars; one submission).

Conditions:
Hereditary cancer-predisposing syndrome. Also called: Neoplastic Syndromes, Hereditary; Tumor predisposition; Hereditary Cancer Syndrome; Hereditary neoplastic syndrome. Identifiers: Orphanet 140162, MedGen C0027672, MeSH D009386, MONDO:0015356.

Submission:

Ambry Genetics
Classification: Likely pathogenic for Hereditary cancer-predisposing syndrome. Last evaluated: 2025-08-07. Review status: criteria provided, single submitter. Criteria: Ambry Variant Classification Scheme 2023. Collection method: clinical testing. Allele origin: germline.
Comment: The c.1743G>T variant (also known as p.K581N), located in coding exon 13 of the APC gene, results from a G to T substitution at nucleotide position 1743. The lysine at codon 581 is replaced by asparagine, an amino acid with similar properties. However, this change occurs in the last base pair of coding exon 13, which makes it likely to have some effect on normal mRNA splicing. This alteration has been observed in at least one individual with a personal and/or family history that is consistent with APC-related familial adenomatous polyposis (Ambry internal data). This nucleotide position is highly conserved in available vertebrate species. In silico splice site analysis predicts that this alteration will weaken the native splice donor site. RNA studies have demonstrated that this alteration results in abnormal splicing in the set of samples tested (Ambry internal data). This variant is considered to be rare based on population cohorts in the Genome Aggregation Database (gnomAD). Based on the majority of available evidence to date, this variant is likely to be pathogenic.